The following is an entry in ClinVar:

NM_152703.5(SAMD9L):c.2743G>A (p.Asp915Asn)

Gene: SAMD9L (sterile alpha motif domain containing 9 like; minus strand). Cytogenetic location: 7q21.2.
Variant type: single nucleotide variant.
Coding change: c.2743G>A on transcript NM_152703.5 (MANE Select); coding-DNA position 2743, G replaced by A.
Protein change: p.Asp915Asn; replaces aspartic acid 915 with asparagine.
Molecular consequence: missense variant.
Genome position (GRCh38, 1-based): chr7:93,133,229, C>T on the plus strand (G>A on the coding strand, the complement: SAMD9L is on the minus strand). VCF-style: chr7-93133229-C-T. GRCh37 (hg19) VCF-style: chr7-92762542-C-T.
Other names: c.2743G>A, p.Asp915Asn (NM_001303500.3, NM_001350082.2, NM_001350083.2 and 5 more transcripts); short protein forms D915N.
Identifiers: ClinVar variation 3674948 (VCV003674948.2).

ClinVar aggregate classification (germline): Uncertain significance (1 of 4 stars; one submission).

Submission:

Labcorp Genetics (formerly Invitae), Labcorp
Classification: Uncertain significance. Last evaluated: 2024-05-02. Review status: criteria provided, single submitter. Criteria: Invitae Variant Classification Sherloc (09022015). Collection method: clinical testing. Allele origin: germline.
Comment: This sequence change replaces aspartic acid, which is acidic and polar, with asparagine, which is neutral and polar, at codon 915 of the SAMD9L protein (p.Asp915Asn). This variant is not present in population databases (gnomAD no frequency). This variant has not been reported in the literature in individuals affected with SAMD9L-related conditions. Advanced modeling of protein sequence and biophysical properties (such as structural, functional, and spatial information, amino acid conservation, physicochemical variation, residue mobility, and thermodynamic stability) performed at Invitae indicates that this missense variant is not expected to disrupt SAMD9L protein function with a negative predictive value of 80%. In summary, the available evidence is currently insufficient to determine the role of this variant in disease. Therefore, it has been classified as a Variant of Uncertain Significance.